The following is an entry in ClinVar:

ClinVar aggregate classification (germline): Benign/Likely benign. Review status: criteria provided, multiple submitters, no conflicts (2 of 4 stars). 2 submissions from 2 submitters: Benign (1); Likely benign (1). Last evaluated 2025-06-03.

Conditions:
Tuberous sclerosis 2 (TSC2). Identifiers: Orphanet 805, MedGen C1860707, MONDO:0013199, OMIM 613254.

Submissions (2):

Myriad Genetics, Inc.
Classification: Benign for Tuberous sclerosis 2. Last evaluated: 2025-06-03. Review status: criteria provided, single submitter. Criteria: Myriad Autosomal Dominant, Autosomal Recessive and X-Linked Classification Criteria (2023). Collection method: clinical testing. Allele origin: unknown.
Comment: This variant is considered benign. This variant is a silent/synonymous amino acid change and it is not expected to impact splicing.

Labcorp Genetics (formerly Invitae), Labcorp
Classification: Likely benign for Tuberous sclerosis 2. Last evaluated: 2023-01-05. Review status: criteria provided, single submitter. Criteria: Invitae Variant Classification Sherloc (09022015). Collection method: clinical testing. Allele origin: germline.

NM_000548.5(TSC2):c.4173G>A (p.Leu1391=)

Gene: TSC2 (TSC complex subunit 2; plus strand). Cytogenetic location: 16p13.3.
Variant type: single nucleotide variant.
Coding change: c.4173G>A on transcript NM_000548.5 (MANE Select); coding-DNA position 4173, G replaced by A.
Protein change: p.Leu1391=; no amino-acid change (leucine 1391 retained).
Molecular consequence: synonymous variant. On other transcripts: non-coding transcript variant (5).
Genome position (GRCh38, 1-based): chr16:2,084,395, G>A. VCF-style: chr16-2084395-G-A. GRCh37 (hg19) VCF-style: chr16-2134396-G-A.
Other names: c.3972G>A, p.Leu1324= (NM_001077183.3); c.4104G>A, p.Leu1368= (NM_001114382.3); c.3864G>A, p.Leu1288= (NM_001318827.2); c.3828G>A, p.Leu1276= (NM_001318829.2); c.3441G>A, p.Leu1147= (NM_001318831.2); c.4005G>A, p.Leu1335= (NM_001318832.2); c.3975G>A, p.Leu1325= (NM_001363528.2); c.4041G>A, p.Leu1347= (NM_001370404.1); and 26 more.
Identifiers: ClinVar variation 2060966 (VCV002060966.5), dbSNP rs2151525915, ClinGen allele CA493043149.